The following is an entry in ClinVar:

NM_005085.4(NUP214):c.1432G>A (p.Ala478Thr)

Gene: NUP214 (nucleoporin 214; plus strand). Cytogenetic location: 9q34.13.
Variant type: single nucleotide variant.
Coding change: c.1432G>A on transcript NM_005085.4 (MANE Select); coding-DNA position 1432, G replaced by A.
Protein change: p.Ala478Thr; replaces alanine 478 with threonine.
Molecular consequence: missense variant.
Genome position (GRCh38, 1-based): chr9:131,144,417, G>A. VCF-style: chr9-131144417-G-A. GRCh37 (hg19) VCF-style: chr9-134019804-G-A.
Other names: c.1432G>A, p.Ala478Thr (NM_001318324.2); short protein forms A478T.
Identifiers: ClinVar variation 3781059 (VCV003781059.1).

ClinVar aggregate classification (germline): Uncertain significance (1 of 4 stars; one submission).

gnomAD v4.1: 23 of 1,613,954 alleles (0.0014%); highest among the groups gnomAD compares: African/African-American, 0.028%; no homozygotes.

Submission:

GeneDx
Classification: Uncertain significance. Last evaluated: 2024-10-15. Review status: criteria provided, single submitter. Criteria: GeneDx Variant Classification Process June 2021. Collection method: clinical testing. Allele origin: germline. Affected: yes.
Comment: In silico analysis indicates that this missense variant does not alter protein structure/function; Has not been previously published as pathogenic or benign to our knowledge